The following is an entry in ClinVar:

NM_000038.6(APC):c.1041G>A (p.Met347Ile)

Gene: APC (APC regulator of Wnt signaling pathway; plus strand). Cytogenetic location: 5q22.2.
Variant type: single nucleotide variant.
Coding change: c.1041G>A on transcript NM_000038.6 (MANE Select); coding-DNA position 1041, G replaced by A.
Protein change: p.Met347Ile; replaces methionine 347 with isoleucine.
Molecular consequence: missense variant. On other transcripts: intron variant (4).
Genome position (GRCh38, 1-based): chr5:112,819,073, G>A. VCF-style: chr5-112819073-G-A. GRCh37 (hg19) VCF-style: chr5-112154770-G-A.
Other names: c.1041G>A, p.Met347Ile (NM_001127510.3, NM_001354895.2, NM_001354896.2 and 4 more transcripts); c.987G>A, p.Met329Ile (NM_001127511.3); c.1071G>A, p.Met357Ile (NM_001354897.2, NM_001407446.1); c.966G>A, p.Met322Ile (NM_001354898.2, NM_001407451.1); c.957G>A, p.Met319Ile (NM_001354899.2, NM_001407452.1); c.864G>A, p.Met288Ile (NM_001354900.2, NM_001354901.2, NM_001407453.1); c.192G>A, p.Met64Ile (NM_001354906.2, NM_001407470.1); c.964-196G>A (NM_001354902.2); and 4 more; short protein forms M322I, M347I, M64I, M357I, M329I, M288I, M319I.
Identifiers: ClinVar variation 2156569 (VCV002156569.5), dbSNP rs2149780267, ClinGen allele CA16023591.

ClinVar aggregate classification (germline): Uncertain significance. Review status: criteria provided, multiple submitters, no conflicts (2 of 4 stars). 2 submissions from 2 submitters: Uncertain significance (2). Last evaluated 2025-09-02.

Conditions:
Hereditary cancer-predisposing syndrome. Also called: Tumor predisposition; Hereditary neoplastic syndrome; Neoplastic Syndromes, Hereditary; Hereditary Cancer Syndrome. Identifiers: Orphanet 140162, MedGen C0027672, MeSH D009386, MONDO:0015356.
Familial adenomatous polyposis 1 (FAP1). Also called: FAMILIAL ADENOMATOUS POLYPOSIS 1, ATTENUATED; POLYPOSIS, ADENOMATOUS INTESTINAL. Identifiers: MedGen C2713442, MONDO:0021056, OMIM 175100. Disease mechanism: loss of function.

Submissions (2):

Ambry Genetics
Classification: Uncertain significance for Hereditary cancer-predisposing syndrome. Last evaluated: 2025-09-02. Review status: criteria provided, single submitter. Criteria: Ambry Variant Classification Scheme 2023. Collection method: clinical testing. Allele origin: germline.
Comment: The p.M347I variant (also known as c.1041G>A), located in coding exon 9 of the APC gene, results from a G to A substitution at nucleotide position 1041. The methionine at codon 347 is replaced by isoleucine, an amino acid with highly similar properties. This amino acid position is conserved. In addition, in silico predictors for this gene do not accurately predict pathogenicity. Based on the available evidence, the clinical significance of this variant remains unclear.

Labcorp Genetics (formerly Invitae), Labcorp
Classification: Uncertain significance for Familial adenomatous polyposis 1. Last evaluated: 2022-09-22. Review status: criteria provided, single submitter. Criteria: Invitae Variant Classification Sherloc (09022015). Collection method: clinical testing. Allele origin: germline.
Comment: In summary, the available evidence is currently insufficient to determine the role of this variant in disease. Therefore, it has been classified as a Variant of Uncertain Significance. Advanced modeling of protein sequence and biophysical properties (such as structural, functional, and spatial information, amino acid conservation, physicochemical variation, residue mobility, and thermodynamic stability) performed at Invitae indicates that this missense variant is not expected to disrupt APC protein function. This variant has not been reported in the literature in individuals affected with APC-related conditions. This variant is not present in population databases (gnomAD no frequency). This sequence change replaces methionine, which is neutral and non-polar, with isoleucine, which is neutral and non-polar, at codon 347 of the APC protein (p.Met347Ile).